The following is an entry in ClinVar:

NM_001166108.2(PALLD):c.2657A>G (p.Gln886Arg)

Genes: CBR4 (carbonyl reductase 4; minus strand), PALLD (palladin, cytoskeletal associated protein; plus strand). Cytogenetic location: 4q32.3.
Variant type: single nucleotide variant.
Coding change: c.2657A>G on transcript NM_001166108.2 (MANE Select); coding-DNA position 2657, A replaced by G.
Protein change: p.Gln886Arg; replaces glutamine 886 with arginine.
Molecular consequence: missense variant.
Genome position (GRCh38, 1-based): chr4:168,913,961, A>G. VCF-style: chr4-168913961-A-G. GRCh37 (hg19) VCF-style: chr4-169835112-A-G.
Other names: c.1460A>G, p.Gln487Arg (NM_001166109.2); c.1145A>G, p.Gln382Arg (NM_001166110.2); c.485A>G, p.Gln162Arg (NM_001367567.1, NM_001367569.1); c.536A>G, p.Gln179Arg (NM_001367568.1, NM_001367570.1); c.2606A>G, p.Gln869Arg (NM_016081.4); short protein forms Q162R, Q886R, Q382R, Q869R, Q179R, Q487R.
Identifiers: ClinVar variation 1793726 (VCV001793726.3), dbSNP rs767984785, ClinGen allele CA3135923.

ClinVar aggregate classification (germline): Uncertain significance (1 of 4 stars; one submission).

Allele frequency attached by ClinVar (database versions not stated): gnomAD exomes below 0.00001; ExAC 0.00002.
gnomAD v4.1: 3 of 1,613,318 alleles (0.00019%); highest among the groups gnomAD compares: East Asian, 0.0022%; no homozygotes.

Submission:

Ambry Genetics
Classification: Uncertain significance. Last evaluated: 2024-08-08. Review status: criteria provided, single submitter. Criteria: Ambry Variant Classification Scheme 2023. Collection method: clinical testing. Allele origin: germline.
Comment: The p.Q869R variant (also known as c.2606A>G), located in coding exon 14 of the PALLD gene, results from an A to G substitution at nucleotide position 2606. The glutamine at codon 869 is replaced by arginine, an amino acid with highly similar properties. This amino acid position is conserved. In addition, this alteration is predicted to be deleterious by in silico analysis. Since supporting evidence is limited at this time, the clinical significance of this alteration remains unclear.